The following is an entry in ClinVar:

ClinVar aggregate classification (germline): Uncertain significance (1 of 4 stars; one submission).

Conditions:
Ullrich congenital muscular dystrophy 2 (UCMD2). Identifiers: Orphanet 75840, MedGen C4225314, MONDO:0014654, OMIM 616470.
Bethlem myopathy 2 (BTHLM2). Identifiers: Orphanet 536516, Orphanet 610, MedGen C4225313, MONDO:0034022, OMIM 616471.

Allele frequency attached by ClinVar (database versions not stated): gnomAD 0.00001; 1000 Genomes Project 0.00020; 1000 Genomes Project 30x 0.00031.
gnomAD v4.1: 1 of 1,613,460 alleles (0.000062%); highest among the groups gnomAD compares: Admixed American, 0.0017%; no homozygotes.

Submission:

Labcorp Genetics (formerly Invitae), Labcorp
Classification: Uncertain significance for Bethlem myopathy 2; Ullrich congenital muscular dystrophy 2. Last evaluated: 2022-07-26. Review status: criteria provided, single submitter. Criteria: Invitae Variant Classification Sherloc (09022015). Collection method: clinical testing. Allele origin: germline.
Comment: In summary, the available evidence is currently insufficient to determine the role of this variant in disease. Therefore, it has been classified as a Variant of Uncertain Significance. Algorithms developed to predict the effect of missense changes on protein structure and function are either unavailable or do not agree on the potential impact of this missense change (SIFT: "Deleterious"; PolyPhen-2: "Probably Damaging"; Align-GVGD: "Class C0"). This variant has not been reported in the literature in individuals affected with COL12A1-related conditions. This variant is not present in population databases (gnomAD no frequency). This sequence change replaces aspartic acid, which is acidic and polar, with valine, which is neutral and non-polar, at codon 1816 of the COL12A1 protein (p.Asp1816Val).

NM_004370.6(COL12A1):c.5447A>T (p.Asp1816Val)

Gene: COL12A1 (collagen type XII alpha 1 chain; minus strand). Cytogenetic location: 6q13.
Variant type: single nucleotide variant.
Coding change: c.5447A>T on transcript NM_004370.6 (MANE Select); coding-DNA position 5447, A replaced by T.
Protein change: p.Asp1816Val; replaces aspartic acid 1816 with valine.
Molecular consequence: missense variant.
Genome position (GRCh38, 1-based): chr6:75,134,803, T>A on the plus strand (A>T on the coding strand, the complement: COL12A1 is on the minus strand). VCF-style: chr6-75134803-T-A. GRCh37 (hg19) VCF-style: chr6-75844519-T-A.
Other names: c.1955A>T, p.Asp652Val (NM_080645.3); short protein forms D1816V, D652V.
Identifiers: ClinVar variation 1713840 (VCV001713840.6), dbSNP rs538874234, ClinGen allele CA140991095.